The following is an entry in ClinVar:

NM_003482.4(KMT2D):c.7500G>A (p.Ala2500=)

Gene: KMT2D (lysine methyltransferase 2D; minus strand). Cytogenetic location: 12q13.12.
Variant type: single nucleotide variant.
Coding change: c.7500G>A on transcript NM_003482.4 (MANE Select); coding-DNA position 7500, G replaced by A.
Protein change: p.Ala2500=; no amino-acid change (alanine 2500 retained).
Molecular consequence: synonymous variant.
Genome position (GRCh38, 1-based): chr12:49,040,270, C>T on the plus strand (G>A on the coding strand, the complement: KMT2D is on the minus strand). VCF-style: chr12-49040270-C-T. GRCh37 (hg19) VCF-style: chr12-49434053-C-T.
Other names: c.7500G>A (NM_003482.3).
Identifiers: ClinVar variation 1623016 (VCV001623016.10), dbSNP rs201604988, ClinGen allele CA6547052.
Genomic context (GRCh38, chr12:49,040,270, plus strand): 5'-CCGGACAAAATTGGGGGGCTGCCCACTTGGGACCTTGGCATGGAGCTCACCTGCTGGCCC[C>T]GCGGGCAGGGCTGCTGGGAACCCCCCAGCCCCCAGCGAAGTGTGGGCTAGAGACCCAGCC-3'
Protein context (NP_003473.3, residues 2490-2510): GAGGFPAALP[Ala2500=]GPAGELHAKV

ClinVar aggregate classification (germline): Likely benign. Review status: criteria provided, single submitter (1 of 4 stars). 2 submissions from 2 submitters: Likely benign (1). 1 of the submissions does not count toward it. Last evaluated 2026-01-13.

Conditions:
Kabuki syndrome. Also called: NIIKAWA-KUROKI SYNDROME; Kabuki make-up syndrome. Identifiers: Orphanet 2322, MedGen C0796004, MONDO:0016512.
KMT2D-related disorder. Also called: KMT2D-Related Disorders.

Allele frequency attached by ClinVar (database versions not stated): gnomAD exomes 0.00005 and 0.00004; 1000 Genomes Project 0.00040; ExAC 0.00005; gnomAD 0.00008 and 0.00009; TOPMed 0.00010; 1000 Genomes Project 30x 0.00031.
gnomAD v4.1: 75 of 1,610,182 alleles (0.0047%); highest among the groups gnomAD compares: African/African-American, 0.027%; no homozygotes.

Submissions (2):

Labcorp Genetics (formerly Invitae), Labcorp
Classification: Likely benign for Kabuki syndrome. Last evaluated: 2026-01-13. Review status: criteria provided, single submitter. Criteria: Invitae Variant Classification Sherloc (09022015). Collection method: clinical testing. Allele origin: germline.

PreventionGenetics, part of Exact Sciences
Classification: Likely benign for KMT2D-related condition. Last evaluated: 2021-02-10. Review status: no assertion criteria provided. Collection method: clinical testing. Allele origin: germline. Not counted in ClinVar's aggregate classification.
Comment: This variant is classified as likely benign based on ACMG/AMP sequence variant interpretation guidelines (Richards et al. 2015 PMID: 25741868, with internal and published modifications).